The following is an entry in ClinVar:

NM_006218.4(PIK3CA):c.919T>C (p.Tyr307His)

Gene: PIK3CA (phosphatidylinositol-4,5-bisphosphate 3-kinase catalytic subunit alpha; plus strand). Cytogenetic location: 3q26.32.
Variant type: single nucleotide variant.
Coding change: c.919T>C on transcript NM_006218.4 (MANE Select); coding-DNA position 919, T replaced by C.
Protein change: p.Tyr307His; replaces tyrosine 307 with histidine.
Molecular consequence: missense variant.
Genome position (GRCh38, 1-based): chr3:179,203,649, T>C. VCF-style: chr3-179203649-T-C. GRCh37 (hg19) VCF-style: chr3-178921437-T-C.
Other names: short protein forms Y307H.
Identifiers: ClinVar variation 3418555 (VCV003418555.1).

ClinVar aggregate classification (germline): Uncertain significance (1 of 4 stars; one submission).

Conditions:
Inborn genetic diseases. Identifiers: MedGen C0950123, MeSH D030342.

Submission:

Ambry Genetics
Classification: Uncertain significance for Inborn genetic diseases. Last evaluated: 2024-11-21. Review status: criteria provided, single submitter. Criteria: Ambry Variant Classification Scheme 2023. Collection method: clinical testing. Allele origin: germline.
Comment: The p.Y307H variant (also known as c.919T>C), located in coding exon 4 of the PIK3CA gene, results from a T to C substitution at nucleotide position 919. The tyrosine at codon 307 is replaced by histidine, an amino acid with similar properties. This amino acid position is conserved. In addition, the in silico prediction for this alteration is inconclusive. Based on the available evidence, the clinical significance of this variant remains unclear.